The following is an entry in ClinVar:

NM_001943.5(DSG2):c.2178T>C (p.Ser726=)

Genes: DSG2 (desmoglein 2; plus strand), DSG2-AS1 (DSG2 antisense RNA 1; minus strand). Cytogenetic location: 18q12.1.
Variant type: single nucleotide variant.
Coding change: c.2178T>C on transcript NM_001943.5 (MANE Select); coding-DNA position 2178, T replaced by C.
Protein change: p.Ser726=; no amino-acid change (serine 726 retained).
Molecular consequence: synonymous variant.
Genome position (GRCh38, 1-based): chr18:31,542,696, T>C. VCF-style: chr18-31542696-T-C. GRCh37 (hg19) VCF-style: chr18-29122659-T-C.
Identifiers: ClinVar variation 890201 (VCV000890201.12), dbSNP rs749897373, ClinGen allele CA045137.
Genomic context (GRCh38, chr18:31,542,696, plus strand): 5'-AGGGCAACATGAGATGTCCGAGATGGATGGAAGGTGGGAAGAACACAGAAGCCTGCTTTC[T>C]GGTAGAGCTACCCAGTTTACAGGGGCCACAGGCGCTATCATGACCACTGAAACCACGAAG-3'
Protein context (NP_001934.2, residues 716-736): GRWEEHRSLL[Ser726=]GRATQFTGAT

ClinVar aggregate classification (germline): Conflicting classifications of pathogenicity. Review status: criteria provided, conflicting classifications (1 of 4 stars). 5 submissions from 5 submitters: Uncertain significance (1); Likely benign (4). Last evaluated 2024-08-13.

Conditions:
Cardiovascular phenotype. Identifiers: MedGen CN230736.
Arrhythmogenic right ventricular cardiomyopathy (ARVD). Also called: Arrhythmogenic cardiomyopathy; Cardiomyopathy, ARVC; Arrhythmogenic right ventricular dysplasia; Arrhythmogenic Right Ventricular Cardiomyopathy (ARVC). Identifiers: Orphanet 247, MedGen C0349788, MeSH D019571, MONDO:0016587. Disease mechanism: loss of function. Inheritance: Various modes of inheritance.
Cardiomyopathy (CMYO). Also called: Cardiomyopathies. Identifiers: Orphanet 167848, MedGen C0878544, MONDO:0004994, HP:0001638. Inheritance: Various modes of inheritance.
Arrhythmogenic right ventricular dysplasia 10. Also called: Arrhythmogenic Right Ventricular Dysplasia/Cardiomyopathy10; ARRHYTHMOGENIC RIGHT VENTRICULAR DYSPLASIA, FAMILIAL, 10; Arrhythmogenic right ventricular dysplasia/cardiomyopathy, type 10. Identifiers: MedGen C1857777, MONDO:0012434, OMIM 610193.

Allele frequency attached by ClinVar (database versions not stated): gnomAD below 0.00001 and 0.00001; gnomAD exomes below 0.00001 and 0.00001; ExAC 0.00002.
gnomAD v4.1: 8 of 1,614,060 alleles (0.0005%); highest among the groups gnomAD compares: South Asian, 0.0088%; no homozygotes.

Submissions (5):

All of Us Research Program, National Institutes of Health
Classification: Likely benign for Arrhythmogenic right ventricular cardiomyopathy. Last evaluated: 2024-08-13. Review status: criteria provided, single submitter. Criteria: ACMG Guidelines, 2015. Collection method: clinical testing. Allele origin: germline. Inheritance: Autosomal dominant inheritance. Observed: 3 variant alleles, 3 heterozygotes.
Comment: This study involves interpretation of variants in research participants for the purpose of population health screening. Participant phenotype was not available at the time of variant classification. Additional details can be found in publication PMID: 35346344, PMCID: PMC8962531

Ambry Genetics
Classification: Likely benign for Cardiovascular phenotype. Last evaluated: 2023-11-01. Review status: criteria provided, single submitter. Criteria: Ambry Variant Classification Scheme 2023. Collection method: clinical testing. Allele origin: germline.

Labcorp Genetics (formerly Invitae), Labcorp
Classification: Likely benign for Arrhythmogenic right ventricular dysplasia 10. Last evaluated: 2023-02-24. Review status: criteria provided, single submitter. Criteria: Invitae Variant Classification Sherloc (09022015). Collection method: clinical testing. Allele origin: germline.

Color Diagnostics, LLC DBA Color Health
Classification: Likely benign for Cardiomyopathy. Last evaluated: 2020-01-09. Review status: criteria provided, single submitter. Criteria: ACMG Guidelines, 2015. Collection method: clinical testing. Allele origin: germline.

Illumina Laboratory Services, Illumina
Classification: Uncertain significance for Arrhythmogenic right ventricular dysplasia 10. Last evaluated: 2018-01-12. Review status: criteria provided, single submitter. Criteria: ICSL Variant Classification Criteria 13 December 2019. Collection method: clinical testing. Allele origin: germline.